The following is an entry in ClinVar:

NM_000540.3(RYR1):c.6185G>A (p.Arg2062His)

Gene: RYR1 (ryanodine receptor 1; plus strand). Cytogenetic location: 19q13.2.
Variant type: single nucleotide variant.
Coding change: c.6185G>A on transcript NM_000540.3 (MANE Select); coding-DNA position 6185, G replaced by A.
Protein change: p.Arg2062His; replaces arginine 2062 with histidine.
Molecular consequence: missense variant.
Genome position (GRCh38, 1-based): chr19:38,492,547, G>A. VCF-style: chr19-38492547-G-A. GRCh37 (hg19) VCF-style: chr19-38983187-G-A.
Other names: c.6185G>A, p.Arg2062His (NM_001042723.2); short protein forms R2062H.
Identifiers: ClinVar variation 2762220 (VCV002762220.4), dbSNP rs368235923, ClinGen allele CA067867.
Genomic context (GRCh38, chr19:38,492,547, plus strand): 5'-CAGGAATTCAGCTAGATGGAGAGGAGGAGGAACCAGAGGAAGAGACCACCCTGGGCAGCC[G>A]CCTCATGAGCCTGTTGGAGAAAGTGCGGCTGGTGAAGAAGAAGGAAGAGAAACCTGAGGA-3'
Protein context (NP_000531.2, residues 2052-2072): EPEEETTLGS[Arg2062His]LMSLLEKVRL

ClinVar aggregate classification (germline): Uncertain significance. Review status: criteria provided, multiple submitters, no conflicts (2 of 4 stars). 3 submissions from 3 submitters: Uncertain significance (3). Last evaluated 2024-07-10.

Conditions:
Malignant hyperthermia, susceptibility to, 1 (MHS1). Also called: RYR1-Related Malignant Hyperthermia Susceptibility; Malignant hyperthermia suceptibility 1; Anesthesia related hyperthermia; Malignant hyperpyrexia; Fulminating hyperpyrexia; Pharmacogenic myopathy. Identifiers: Orphanet 423, MedGen C2930980, MONDO:0007783, OMIM 145600.
RYR1-related disorder. Also called: RYR1-related condition; RYR1-related disorders. Identifiers: MedGen CN239331.

Allele frequency attached by ClinVar (database versions not stated): ExAC 0.00001; gnomAD 0.00001; gnomAD exomes 0.00001; TOPMed 0.00002; ESP Exome Variant Server 0.00008.
gnomAD v4.1: 9 of 1,613,970 alleles (0.00056%); highest among the groups gnomAD compares: African/African-American, 0.0027%; no homozygotes.

Submissions (3):

All of Us Research Program, National Institutes of Health
Classification: Uncertain significance for Malignant hyperthermia, susceptibility to, 1. Last evaluated: 2024-07-10. Review status: criteria provided, single submitter. Criteria: ACMG Guidelines, 2015. Collection method: clinical testing. Allele origin: germline. Inheritance: Autosomal dominant inheritance. Observed: 4 variant alleles, 4 heterozygotes.
Comment: This missense variant replaces arginine with histidine at codon 2062 of the RYR1 protein. Computational prediction suggests that this variant may not impact protein structure and function (internally defined REVEL score threshold <= 0.5, PMID: 27666373). To our knowledge, functional studies have not been reported for this variant. This variant has not been reported in individuals affected with RYR1-related disorders in the literature. This variant has been identified in 1/251324 chromosomes in the general population by the Genome Aggregation Database (gnomAD). The available evidence is insufficient to determine the role of this variant in disease conclusively. Therefore, this variant is classified as a Variant of Uncertain Significance.

This study involves interpretation of variants in research participants for the purpose of population health screening. Participant phenotype was not available at the time of variant classification. Additional details can be found in publication PMID: 35346344, PMCID: PMC8962531

GeneDx
Classification: Uncertain significance. Last evaluated: 2024-04-29. Review status: criteria provided, single submitter. Criteria: GeneDx Variant Classification Process June 2021. Collection method: clinical testing. Allele origin: germline. Affected: yes.
Comment: Not observed at significant frequency in large population cohorts (gnomAD); In silico analysis supports that this missense variant has a deleterious effect on protein structure/function; Has not been previously published as pathogenic or benign to our knowledge

Labcorp Genetics (formerly Invitae), Labcorp
Classification: Uncertain significance for RYR1-related disorder. Last evaluated: 2024-01-28. Review status: criteria provided, single submitter. Criteria: Invitae Variant Classification Sherloc (09022015). Collection method: clinical testing. Allele origin: germline.
Comment: This sequence change replaces arginine, which is basic and polar, with histidine, which is basic and polar, at codon 2062 of the RYR1 protein (p.Arg2062His). This variant is present in population databases (rs368235923, gnomAD 0.0009%). This variant has not been reported in the literature in individuals affected with RYR1-related conditions. Advanced modeling of protein sequence and biophysical properties (such as structural, functional, and spatial information, amino acid conservation, physicochemical variation, residue mobility, and thermodynamic stability) has been performed at Invitae for this missense variant, however the output from this modeling did not meet the statistical confidence thresholds required to predict the impact of this variant on RYR1 protein function. In summary, the available evidence is currently insufficient to determine the role of this variant in disease. Therefore, it has been classified as a Variant of Uncertain Significance.